The following is an entry in ClinVar:

ClinVar aggregate classification (germline): Pathogenic (1 of 4 stars; one submission).

Conditions:
Congenital muscular dystrophy due to integrin alpha-7 deficiency. Also called: MYOPATHY, CONGENITAL, DUE TO INTEGRIN ALPHA-7 DEFICIENCY; Congenital muscular dystrophy with integrin alpha-7 deficiency; Muscular dystrophy, congenital, due to ITGA7 deficiency. Identifiers: Orphanet 34520, MedGen C2750786, MONDO:0013177, OMIM 613204.

Submission:

Labcorp Genetics (formerly Invitae), Labcorp
Classification: Pathogenic for Congenital muscular dystrophy due to integrin alpha-7 deficiency. Last evaluated: 2023-11-25. Review status: criteria provided, single submitter. Criteria: Invitae Variant Classification Sherloc (09022015). Collection method: clinical testing. Allele origin: germline.
Comment: This sequence change creates a premature translational stop signal (p.Ile589Metfs*2) in the ITGA7 gene. It is expected to result in an absent or disrupted protein product. Loss-of-function variants in ITGA7 are known to be pathogenic (PMID: 9590299). This variant is present in population databases (rs780685071, gnomAD 0.01%). This variant has not been reported in the literature in individuals affected with ITGA7-related conditions. For these reasons, this variant has been classified as Pathogenic.

Literature cited by the submitters: PubMed 9590299.

NM_002206.3(ITGA7):c.1767del (p.Ile589fs)

Gene: ITGA7 (integrin subunit alpha 7; minus strand). Cytogenetic location: 12q13.2.
Variant type: Deletion.
Coding change: c.1767del on transcript NM_002206.3 (MANE Select); coding-DNA position 1767, one base deleted (T; older notation c.1767delT).
Protein change: p.Ile589fs; shifts the reading frame from isoleucine 589.
Molecular consequence: frameshift variant.
Genome position (GRCh38, 1-based): chr12:55,696,403, A deleted on the plus strand (T on the coding strand, the reverse complement: ITGA7 is on the minus strand); the first of 2 consecutive A bases (chr12:55,696,403-55,696,404); deleting either gives the same sequence. VCF-style (leftmost placement, unchanged base first): chr12-55696402-CA-C. GRCh37 (hg19) VCF-style: chr12-56090186-CA-C.
Other names: c.1488del, p.Ile496fs (NM_001144997.2); c.1440del, p.Ile480fs (NM_001367993.1); c.423del, p.Ile141fs (NM_001367994.1); c.1749del, p.Ile583fs (NM_001374465.1); c.1899del, p.Ile633fs (NM_001410977.1); c.1761del, p.Ile587fs (NM_001414029.1); c.1692del, p.Ile564fs (NM_001414030.1); c.1680del, p.Ile560fs (NM_001414031.1); and 5 more; short protein forms I476fs, I496fs, I528fs, I560fs, I589fs, I480fs, I564fs, I583fs.
Identifiers: ClinVar variation 2753782 (VCV002753782.3), dbSNP rs780685071, ClinGen allele CA6615833.